The following is an entry in ClinVar:

NM_001114753.3(ENG):c.1099_1102del (p.Asp366_Ala367insTer)

Gene: ENG (endoglin; minus strand). Cytogenetic location: 9q34.11.
Variant type: Deletion.
Coding change: c.1099_1102del on transcript NM_001114753.3 (MANE Select); coding-DNA positions 1099 to 1102, 4 bases deleted (GCCA; older notation c.1099_1102delGCCA).
Protein change: p.Asp366_Ala367insTer.
Molecular consequence: nonsense.
Genome position (GRCh38, 1-based): chr9:127,824,336-127,824,339, TGGC deleted on the plus strand (GCCA on the coding strand, the reverse complement: ENG is on the minus strand). VCF-style (leftmost placement, unchanged base first): chr9-127824335-ATGGC-A. GRCh37 (hg19) VCF-style: chr9-130586614-ATGGC-A.
Other names: c.1099_1102del, p.Asp366_Ala367insTer (NM_000118.4, NM_001406715.1); c.553_556del, p.Asp184_Ala185insTer (NM_001278138.2).
Identifiers: ClinVar variation 2452651 (VCV002452651.2), dbSNP rs2539070883, ClinGen allele CA2580079620.
Genomic context (GRCh38, chr9:127,824,335, plus strand): 5'-CTGAGCCAGAGGGGCAGGAGTTCCCTTACCGCAACAAGCTCTTTCTTTAGTACCAGGGTC[ATGGC>A]GTCGTCGGCACACTTTGTCTGGATCAAGGACATGAGCAGCTCCGGGCTACAAGTGTCCTT-3'

ClinVar aggregate classification (germline): Pathogenic (1 of 4 stars; one submission).

Conditions:
Cardiovascular phenotype. Identifiers: MedGen CN230736.

Submission:

Ambry Genetics
Classification: Pathogenic for Cardiovascular phenotype. Last evaluated: 2022-12-16. Review status: criteria provided, single submitter. Criteria: Ambry Variant Classification Scheme 2023. Collection method: clinical testing. Allele origin: germline.
Comment: The c.1099_1102delGCCA pathogenic mutation, located in coding exon 8 of the ENG gene, results from a deletion of 4 nucleotides at nucleotide positions 1099 to 1102, causing a translational frameshift with a predicted alternate stop codon (p.A367*). This variant is considered to be rare based on population cohorts in the Genome Aggregation Database (gnomAD). This alteration is expected to result in loss of function by premature protein truncation or nonsense-mediated mRNA decay. As such, this alteration is interpreted as a disease-causing mutation.